The following is an entry in ClinVar:

ClinVar aggregate classification (germline): Uncertain significance (1 of 4 stars; one submission).

Conditions:
Inclusion body myopathy with early-onset Paget disease with or without frontotemporal dementia 2 (IBMPFD2). Also called: MULTISYSTEM PROTEINOPATHY 2. Identifiers: MedGen C3809468, MONDO:0014178, OMIM 615422.

Submission:

Labcorp Genetics (formerly Invitae), Labcorp
Classification: Uncertain significance for Inclusion body myopathy with early-onset Paget disease with or without frontotemporal dementia 2. Last evaluated: 2021-09-26. Review status: criteria provided, single submitter. Criteria: Invitae Variant Classification Sherloc (09022015). Collection method: clinical testing. Allele origin: germline.
Comment: This sequence change creates a premature translational stop signal (p.Leu5Argfs*17) in the HNRNPA2B1 gene. It is expected to result in an absent or disrupted protein product. However, the current clinical and genetic evidence is not sufficient to establish whether loss-of-function variants in HNRNPA2B1 cause disease. This variant is not present in population databases (ExAC no frequency). This variant has not been reported in the literature in individuals affected with HNRNPA2B1-related conditions. In summary, the available evidence is currently insufficient to determine the role of this variant in disease. Therefore, it has been classified as a Variant of Uncertain Significance.

NM_002137.4(HNRNPA2B1):c.7-128_7-127del

Gene: HNRNPA2B1 (heterogeneous nuclear ribonucleoprotein A2/B1; minus strand). Cytogenetic location: 7p15.2.
Variant type: Deletion.
Coding change: c.7-128_7-127del on transcript NM_002137.4 (MANE Select); 128 bases into the intron before coding-DNA position 7 through 127 bases into the intron before coding-DNA position 7, 2 bases deleted (TT; older notation c.7-128_7-127delTT).
Molecular consequence: intron variant. On other transcripts: frameshift variant (1).
Genome position (GRCh38, 1-based): chr7:26,197,859-26,197,860, AA deleted on the plus strand (TT on the coding strand, the reverse complement: HNRNPA2B1 is on the minus strand); deleting any 2 consecutive bases within chr7:26,197,859-26,197,861 gives the same sequence; the c. name uses the placement nearest the transcript's 3' end. VCF-style (leftmost placement, unchanged base first): chr7-26197858-TAA-T. GRCh37 (hg19) VCF-style: chr7-26237478-TAA-T.
Other names: c.12_13delTT, p.Leu5Argfs (NM_031243.4); short protein forms L5fs.
Identifiers: ClinVar variation 1477813 (VCV001477813.6), dbSNP rs2128124605, ClinGen allele CA2573142072.